The following is an entry in ClinVar:

NM_001081.4(CUBN):c.9078C>T (p.Phe3026=)

Gene: CUBN (cubilin; minus strand). Cytogenetic location: 10p13.
Variant type: single nucleotide variant.
Coding change: c.9078C>T on transcript NM_001081.4 (MANE Select); coding-DNA position 9078, C replaced by T.
Protein change: p.Phe3026=; no amino-acid change (phenylalanine 3026 retained).
Molecular consequence: synonymous variant.
Genome position (GRCh38, 1-based): chr10:16,876,925, G>A on the plus strand (C>T on the coding strand, the complement: CUBN is on the minus strand). VCF-style: chr10-16876925-G-A. GRCh37 (hg19) VCF-style: chr10-16918924-G-A.
Identifiers: ClinVar variation 695636 (VCV000695636.42), dbSNP rs140524729, ClinGen allele CA5422824.

ClinVar aggregate classification (germline): Conflicting classifications of pathogenicity. Review status: criteria provided, conflicting classifications (1 of 4 stars). 4 submissions from 4 submitters: Uncertain significance (1); Likely benign (3). Last evaluated 2025-10-29.

Conditions:
Imerslund-Grasbeck syndrome type 1 (IGS1). Also called: Megaloblastic anemia 1, Finnish type; MEGALOBLASTIC ANEMIA, 1; Imerslund-Gräsbeck syndrome 1. Identifiers: MedGen C4016819, MONDO:0100156, OMIM 261100.
Imerslund-Grasbeck syndrome. Also called: Megaloblastic anemia due to inborn errors of metabolism; PERNICIOUS ANEMIA, JUVENILE, DUE TO SELECTIVE INTESTINAL MALABSORPTION OF VITAMIN B12, WITH PROTEINURIA; Imerslund-Gräsbeck syndrome; ENTEROCYTE COBALAMIN MALABSORPTION; ENTEROCYTE INTRINSIC FACTOR RECEPTOR, DEFECT OF. Identifiers: Orphanet 35858, MedGen C4551825, MONDO:0009853.

Allele frequency attached by ClinVar (database versions not stated): ExAC 0.00026; gnomAD exomes 0.00036; ESP Exome Variant Server 0.00054; TOPMed 0.00074; gnomAD 0.00089 and 0.00091; 1000 Genomes Project 0.00140; 1000 Genomes Project 30x 0.00141.
gnomAD v4.1: 473 of 1,614,084 alleles (0.029%); highest among the groups gnomAD compares: African/African-American, 0.24%; 2 homozygotes.

Submissions (4):

Labcorp Genetics (formerly Invitae), Labcorp
Classification: Likely benign for Imerslund-Grasbeck syndrome. Last evaluated: 2025-10-29. Review status: criteria provided, single submitter. Criteria: Invitae Variant Classification Sherloc (09022015). Collection method: clinical testing. Allele origin: germline.

Blueprint Genetics
Classification: Likely benign. Last evaluated: 2024-09-18. Review status: criteria provided, single submitter. Criteria: ACMG Guidelines, 2015. Collection method: clinical testing. Allele origin: germline.

CeGaT Center for Human Genetics Tuebingen
Classification: Likely benign. Last evaluated: 2022-10-01. Review status: criteria provided, single submitter. Criteria: CeGaT Center For Human Genetics Tuebingen Variant Classification Criteria Version 2. Collection method: clinical testing. Allele origin: germline. Affected: yes. Observed: 2 variant alleles.
Comment: CUBN: BP4, BP7

Illumina Laboratory Services, Illumina
Classification: Uncertain significance for Imerslund-Grasbeck syndrome type 1. Last evaluated: 2018-01-12. Review status: criteria provided, single submitter. Criteria: ICSL Variant Classification Criteria 13 December 2019. Collection method: clinical testing. Allele origin: germline.